The following is an entry in ClinVar:

NM_001270.4(CHD1):c.4623G>C (p.Arg1541Ser)

Gene: CHD1 (chromodomain helicase DNA binding protein 1; minus strand). Cytogenetic location: 5q15.
Variant type: single nucleotide variant.
Coding change: c.4623G>C on transcript NM_001270.4 (MANE Select); coding-DNA position 4623, G replaced by C.
Protein change: p.Arg1541Ser; replaces arginine 1541 with serine.
Molecular consequence: missense variant. On other transcripts: non-coding transcript variant (2).
Genome position (GRCh38, 1-based): chr5:98,858,344, C>G on the plus strand (G>C on the coding strand, the complement: CHD1 is on the minus strand). VCF-style: chr5-98858344-C-G. GRCh37 (hg19) VCF-style: chr5-98194048-C-G.
Other names: c.4887G>C, p.Arg1629Ser (NM_001364113.3); c.4623G>C, p.Arg1541Ser (NM_001376194.2); short protein forms R1541S, R1629S.
Identifiers: ClinVar variation 3345749 (VCV003345749.1).

ClinVar aggregate classification (germline): Uncertain significance (0 of 4 stars; one submission).

Conditions:
CHD1-related disorder. Also called: CHD1-related condition.

Submission:

PreventionGenetics, part of Exact Sciences
Classification: Uncertain significance for CHD1-related condition. Last evaluated: 2024-08-06. Review status: no assertion criteria provided. Collection method: clinical testing. Allele origin: germline.
Comment: The CHD1 c.4623G>C variant is predicted to result in the amino acid substitution p.Arg1541Ser. To our knowledge, this variant has not been reported in the literature or in a large population database, indicating this variant is rare. At this time, the clinical significance of this variant is uncertain due to the absence of conclusive functional and genetic evidence.